The following is an entry in ClinVar:

NM_172364.5(CACNA2D4):c.1994C>A (p.Thr665Lys)

Gene: CACNA2D4 (calcium voltage-gated channel auxiliary subunit alpha2delta 4; minus strand). Cytogenetic location: 12p13.33.
Variant type: single nucleotide variant.
Coding change: c.1994C>A on transcript NM_172364.5 (MANE Select); coding-DNA position 1994, C replaced by A.
Protein change: p.Thr665Lys; replaces threonine 665 with lysine.
Molecular consequence: missense variant.
Genome position (GRCh38, 1-based): chr12:1,858,591, G>T on the plus strand (C>A on the coding strand, the complement: CACNA2D4 is on the minus strand). VCF-style: chr12-1858591-G-T. GRCh37 (hg19) VCF-style: chr12-1967757-G-T.
Other names: c.1994C>A (NM_172364.4); short protein forms T665K.
Identifiers: ClinVar variation 1470635 (VCV001470635.9), dbSNP rs770622451, ClinGen allele CA6386900.

ClinVar aggregate classification (germline): Uncertain significance. Review status: criteria provided, multiple submitters, no conflicts (2 of 4 stars). 3 submissions from 3 submitters: Uncertain significance (3). Last evaluated 2023-04-20.

Conditions:
Inborn genetic diseases. Identifiers: MedGen C0950123, MeSH D030342.

Allele frequency attached by ClinVar (database versions not stated): TOPMed 0.00002.
gnomAD v4.1: 38 of 1,613,282 alleles (0.0024%); highest among the groups gnomAD compares: Non-Finnish European, 0.0027%; no homozygotes.

Submissions (3):

Ambry Genetics
Classification: Uncertain significance for Inborn genetic diseases. Last evaluated: 2023-04-20. Review status: criteria provided, single submitter. Criteria: Ambry Variant Classification Scheme 2023. Collection method: clinical testing. Allele origin: germline.

Labcorp Genetics (formerly Invitae), Labcorp
Classification: Uncertain significance. Last evaluated: 2022-12-24. Review status: criteria provided, single submitter. Criteria: Invitae Variant Classification Sherloc (09022015). Collection method: clinical testing. Allele origin: germline.
Comment: ClinVar contains an entry for this variant (Variation ID: 1470635). In summary, the available evidence is currently insufficient to determine the role of this variant in disease. Therefore, it has been classified as a Variant of Uncertain Significance. Algorithms developed to predict the effect of missense changes on protein structure and function are either unavailable or do not agree on the potential impact of this missense change (SIFT: "Deleterious"; PolyPhen-2: "Benign"; Align-GVGD: "Class C0"). This variant has not been reported in the literature in individuals affected with CACNA2D4-related conditions. This variant is present in population databases (rs770622451, gnomAD 0.004%). This sequence change replaces threonine, which is neutral and polar, with lysine, which is basic and polar, at codon 665 of the CACNA2D4 protein (p.Thr665Lys).

Blueprint Genetics
Classification: Uncertain significance. Last evaluated: 2022-01-25. Review status: criteria provided, single submitter. Criteria: ACMG Guidelines, 2015. Collection method: clinical testing. Allele origin: germline.